The following is an entry in ClinVar:

NC_000011.9:g.(?_674516)_(674803_?)del

Gene: DEAF1 (DEAF1 transcription factor; minus strand). Cytogenetic location: 11p15.5.
Variant type: Deletion.
Identifiers: ClinVar variation 2426647 (VCV002426647.4).

ClinVar aggregate classification (germline): Pathogenic (1 of 4 stars; one submission).

Submission:

Labcorp Genetics (formerly Invitae), Labcorp
Classification: Pathogenic. Last evaluated: 2023-12-08. Review status: criteria provided, single submitter. Criteria: Invitae Variant Classification Sherloc (09022015). Collection method: clinical testing. Allele origin: germline.
Comment: This variant is a gross deletion of the genomic region encompassing exon(s) 10 of the DEAF1 gene. This deletion is out-of-frame, and is expected to create a premature termination codon and result in an absent or disrupted protein product. Loss-of-function variants in DEAF1 are known to be pathogenic (PMID: 30923367). This variant has not been reported in the literature in individuals affected with DEAF1-related conditions. For these reasons, this variant has been classified as Pathogenic.

Literature cited by the submitters: PubMed 30923367.